The following is an entry in ClinVar:

NM_000395.3(CSF2RB):c.1309G>A (p.Glu437Lys)

Gene: CSF2RB (colony stimulating factor 2 receptor subunit beta; plus strand). Cytogenetic location: 22q12.3.
Variant type: single nucleotide variant.
Coding change: c.1309G>A on transcript NM_000395.3 (MANE Select); coding-DNA position 1309, G replaced by A.
Protein change: p.Glu437Lys; replaces glutamic acid 437 with lysine.
Molecular consequence: missense variant.
Genome position (GRCh38, 1-based): chr22:36,933,988, G>A. VCF-style: chr22-36933988-G-A. GRCh37 (hg19) VCF-style: chr22-37330030-G-A.
Other names: c.1327G>A, p.Glu443Lys (NM_001410827.1); c.1309G>A (NM_000395.2); short protein forms E443K, E437K.
Identifiers: ClinVar variation 2071314 (VCV002071314.5), dbSNP rs776366819, ClinGen allele CA10213773.

ClinVar aggregate classification (germline): Uncertain significance. Review status: criteria provided, multiple submitters, no conflicts (2 of 4 stars). 2 submissions from 2 submitters: Uncertain significance (2). Last evaluated 2026-01-22.

Conditions:
Inborn genetic diseases. Identifiers: MedGen C0950123, MeSH D030342.

Allele frequency attached by ClinVar (database versions not stated): gnomAD 0.00002; TOPMed 0.00002; gnomAD exomes 0.00003; ExAC 0.00004.
gnomAD v4.1: 53 of 1,612,240 alleles (0.0033%); highest among the groups gnomAD compares: Non-Finnish European, 0.0041%; 1 homozygote.

Submissions (2):

Labcorp Genetics (formerly Invitae), Labcorp
Classification: Uncertain significance. Last evaluated: 2026-01-22. Review status: criteria provided, single submitter. Criteria: Invitae Variant Classification Sherloc (09022015). Collection method: clinical testing. Allele origin: germline.
Comment: This sequence change replaces glutamic acid, which is acidic and polar, with lysine, which is basic and polar, at codon 437 of the CSF2RB protein (p.Glu437Lys). This variant is present in population databases (rs776366819, gnomAD 0.006%). This variant has not been reported in the literature in individuals affected with CSF2RB-related conditions. ClinVar contains an entry for this variant (Variation ID: 2071314). Invitae Evidence Modeling of protein sequence and biophysical properties (such as structural, functional, and spatial information, amino acid conservation, physicochemical variation, residue mobility, and thermodynamic stability) indicates that this missense variant is not expected to disrupt CSF2RB protein function with a negative predictive value of 80%. In summary, the available evidence is currently insufficient to determine the role of this variant in disease. Therefore, it has been classified as a Variant of Uncertain Significance.

Ambry Genetics
Classification: Uncertain significance for Inborn genetic diseases. Last evaluated: 2024-11-13. Review status: criteria provided, single submitter. Criteria: Ambry Variant Classification Scheme 2023. Collection method: clinical testing. Allele origin: germline.